The following is an entry in ClinVar:

NM_001039591.3(USP9X):c.4430A>G (p.Tyr1477Cys)

Gene: USP9X (ubiquitin specific peptidase 9 X-linked; plus strand). Cytogenetic location: Xp11.4.
Variant type: single nucleotide variant.
Coding change: c.4430A>G on transcript NM_001039591.3 (MANE Select); coding-DNA position 4430, A replaced by G.
Protein change: p.Tyr1477Cys; replaces tyrosine 1477 with cysteine.
Molecular consequence: missense variant.
Genome position (GRCh38, 1-based): chrX:41,198,577, A>G. VCF-style: chrX-41198577-A-G. GRCh37 (hg19) VCF-style: chrX-41057830-A-G.
Other names: c.4430A>G, p.Tyr1477Cys (NM_001039590.3); c.4445A>G, p.Tyr1482Cys (NM_001410748.1, NM_001410749.1, NM_001437534.1); short protein forms Y1477C, Y1482C.
Identifiers: ClinVar variation 4798948 (VCV004798948.1).

ClinVar aggregate classification (germline): Uncertain significance (1 of 4 stars; one submission).

gnomAD v4.1: 6 of 1,209,875 alleles (0.0005%); highest among the groups gnomAD compares: Admixed American, 0.013%; no homozygotes.

Submission:

Labcorp Genetics (formerly Invitae), Labcorp
Classification: Uncertain significance. Last evaluated: 2025-02-12. Review status: criteria provided, single submitter. Criteria: Invitae Variant Classification Sherloc (09022015). Collection method: clinical testing. Allele origin: germline.
Comment: This sequence change replaces tyrosine, which is neutral and polar, with cysteine, which is neutral and slightly polar, at codon 1477 of the USP9X protein (p.Tyr1477Cys). This variant is present in population databases (rs768094727, gnomAD 0.02%), including at least one homozygous and/or hemizygous individual. This variant has not been reported in the literature in individuals affected with USP9X-related conditions. An algorithm developed to predict the effect of missense changes on protein structure and function (PolyPhen-2) suggests that this variant is likely to be tolerated. In summary, the available evidence is currently insufficient to determine the role of this variant in disease. Therefore, it has been classified as a Variant of Uncertain Significance.